The following is an entry in ClinVar:

NM_000755.5(CRAT):c.630+4G>A

Gene: CRAT (carnitine O-acetyltransferase; minus strand). Cytogenetic location: 9q34.11.
Variant type: single nucleotide variant.
Coding change: c.630+4G>A on transcript NM_000755.5 (MANE Select); 4 bases into the intron after coding-DNA position 630, G replaced by A.
Molecular consequence: intron variant.
Genome position (GRCh38, 1-based): chr9:129,102,396, C>T on the plus strand (G>A on the coding strand, the complement: CRAT is on the minus strand). VCF-style: chr9-129102396-C-T. GRCh37 (hg19) VCF-style: chr9-131864675-C-T.
Other names: c.510+4G>A (NM_001346549.2); c.630+4G>A (NM_001346547.2); c.567+4G>A (NM_001346548.2, NM_001257363.3, NM_004003.4); c.633+4G>A (NM_001346546.2).
Identifiers: ClinVar variation 3677836 (VCV003677836.2).

ClinVar aggregate classification (germline): Uncertain significance (1 of 4 stars; one submission).

Submission:

Labcorp Genetics (formerly Invitae), Labcorp
Classification: Uncertain significance. Last evaluated: 2024-06-21. Review status: criteria provided, single submitter. Criteria: Invitae Variant Classification Sherloc (09022015). Collection method: clinical testing. Allele origin: germline.
Comment: This sequence change falls in intron 5 of the CRAT gene. It does not directly change the encoded amino acid sequence of the CRAT protein. It affects a nucleotide within the consensus splice site. This variant is not present in population databases (gnomAD no frequency). This variant has not been reported in the literature in individuals affected with CRAT-related conditions. Variants that disrupt the consensus splice site are a relatively common cause of aberrant splicing (PMID: 17576681, 9536098). Algorithms developed to predict the effect of sequence changes on RNA splicing suggest that this variant is not likely to affect RNA splicing. In summary, the available evidence is currently insufficient to determine the role of this variant in disease. Therefore, it has been classified as a Variant of Uncertain Significance.

Literature cited by the submitters: PubMed 17576681; PubMed 9536098.